The following is an entry in ClinVar:

NM_006915.3(RP2):c.977_982del (p.Val326_Ser327del)

Gene: RP2 (RP2 activator of ARL3 GTPase; plus strand). Cytogenetic location: Xp11.3.
Variant type: Deletion.
Coding change: c.977_982del on transcript NM_006915.3 (MANE Select); coding-DNA positions 977 to 982, 6 bases deleted (TATCTG; older notation c.977_982delTATCTG).
Protein change: p.Val326_Ser327del.
Molecular consequence: inframe deletion.
Genome position (GRCh38, 1-based): chrX:46,879,693-46,879,698, TATCTG deleted; deleting any 6 consecutive bases within chrX:46,879,691-46,879,698 gives the same sequence; the c. name uses the placement nearest the transcript's 3' end. VCF-style (leftmost placement, unchanged base first): chrX-46879690-TTGTATC-T. GRCh37 (hg19) VCF-style: chrX-46739125-TTGTATC-T.
Identifiers: ClinVar variation 1007949 (VCV001007949.8), dbSNP rs1925438563, ClinGen allele CA2427739117.

ClinVar aggregate classification (germline): Uncertain significance (1 of 4 stars; one submission).

Submission:

Labcorp Genetics (formerly Invitae), Labcorp
Classification: Uncertain significance. Last evaluated: 2020-10-08. Review status: criteria provided, single submitter. Criteria: Invitae Variant Classification Sherloc (09022015). Collection method: clinical testing. Allele origin: germline.
Comment: This variant has not been reported in the literature in individuals with RP2-related conditions. This variant is not present in population databases (ExAC no frequency). This variant, c.977_982del, results in the deletion of 2 amino acid(s) of the RP2 protein (p.Val326_Ser327del), but otherwise preserves the integrity of the reading frame. Experimental studies and prediction algorithms are not available or were not evaluated, and the functional significance of this variant is currently unknown. In summary, the available evidence is currently insufficient to determine the role of this variant in disease. Therefore, it has been classified as a Variant of Uncertain Significance.